The following is an entry in ClinVar:

NM_004560.4(ROR2):c.1324C>T (p.Arg442Ter)

Gene: ROR2 (ROR family WNT receptor 2; minus strand). Cytogenetic location: 9q22.31.
Variant type: single nucleotide variant.
Coding change: c.1324C>T on transcript NM_004560.4 (MANE Select); coding-DNA position 1324, C replaced by T.
Protein change: p.Arg442Ter; replaces arginine 442 with a stop codon.
Molecular consequence: nonsense. On other transcripts: synonymous variant (1).
Genome position (GRCh38, 1-based): chr9:91,726,603, G>A on the plus strand (C>T on the coding strand, the complement: ROR2 is on the minus strand). VCF-style: chr9-91726603-G-A. GRCh37 (hg19) VCF-style: chr9-94488885-G-A.
Other names: R441*; c.1290C>T, p.Gly430= (NM_001318204.2); short protein forms R442*.
Identifiers: ClinVar variation 7318 (VCV000007318.9), dbSNP rs267607016, ClinGen allele CA118710.
Genomic context (GRCh38, chr9:91,726,603, plus strand): 5'-GTTTGTGCTGGTTAATGAGGGGCATTTCCATGTCTTGGCTGGGCGAGGCCATCAGCTGTC[G>A]CCGCTGCGGTGTGGACGCAGATGCCTTCTGCTTATTCCGGCACATGCAAACCAAGAAGAA-3'

ClinVar aggregate classification (germline): Pathogenic. Review status: criteria provided, multiple submitters, no conflicts (2 of 4 stars). 7 submissions from 7 submitters: Pathogenic (4). 3 of the submissions do not count toward it. Last evaluated 2025-08-06.

Conditions:
Autosomal recessive Robinow syndrome (RRS1). Also called: ROBINOW SYNDROME, AUTOSOMAL RECESSIVE 1; ROR2-Related Robinow Syndrome; COSTOVERTEBRAL SEGMENTATION DEFECT WITH MESOMELIA; COVESDEM SYNDROME. Identifiers: Orphanet 1507, Orphanet 97360, MedGen C5399974, MONDO:0009999, OMIM 268310.
Brachydactyly type B1 (BDB1). Identifiers: Orphanet 572385, Orphanet 93383, MedGen C1862112, MONDO:0007220, OMIM 113000.
Robinow syndrome, autosomal recessive, with brachy-syn-polydactyly. Identifiers: MedGen C3151610.

Allele frequency attached by ClinVar (database versions not stated): gnomAD 0.00001 and 0.00002; gnomAD exomes below 0.00001; TOPMed 0.00001.
gnomAD v4.1: 9 of 1,613,656 alleles (0.00056%); highest among the groups gnomAD compares: African/African-American, 0.0013%; no homozygotes.

Submissions (7):

GeneDx
Classification: Pathogenic. Last evaluated: 2025-08-06. Review status: criteria provided, single submitter. Criteria: GeneDx Variant Classification Process June 2021. Collection method: clinical testing. Allele origin: germline.
Comment: Nonsense variant predicted to result in protein truncation or nonsense mediated decay in a gene for which loss of function is a known mechanism of disease; Not observed at significant frequency in large population cohorts (gnomAD); This variant is associated with the following publications: (PMID: 25525159, 35587316, 19640924, 38504427)

Fulgent Genetics
Classification: Pathogenic for Brachydactyly type B1; Autosomal recessive Robinow syndrome. Last evaluated: 2024-04-09. Review status: criteria provided, single submitter. Criteria: ACMG Guidelines, 2015. Collection method: clinical testing. Allele origin: germline.

Diagnostics Division, CENTRE FOR DNA FINGERPRINTING AND DIAGNOSTICS
Classification: Pathogenic for Autosomal recessive Robinow syndrome. Review status: criteria provided, single submitter. Criteria: ACMG Guidelines, 2015. Collection method: research. Allele origin: germline. Inheritance: Autosomal recessive inheritance. Affected: yes. Observed: 1 compound heterozygote.

Suma Genomics
Classification: Pathogenic for Autosomal recessive Robinow syndrome. Review status: criteria provided, single submitter. Criteria: ACMG Guidelines, 2015. Collection method: clinical testing. Allele origin: inherited. Inheritance: Autosomal recessive inheritance. Affected: yes.

Department of Genetics, Sultan Qaboos University Hospital
Classification: Pathogenic for Autosomal recessive Robinow syndrome. Last evaluated: 2017-12-30. Review status: no assertion criteria provided. Collection method: curation. Allele origin: unknown. Affected: yes. Not counted in ClinVar's aggregate classification.

OMIM
Classification: Pathogenic for ROBINOW SYNDROME, AUTOSOMAL RECESSIVE, WITH BRACHY-SYN-POLYDACTYLY. Last evaluated: 2009-11-01. Review status: no assertion criteria provided. Collection method: literature only. Allele origin: germline. Not counted in ClinVar's aggregate classification.

Lupski Lab, Baylor-Hopkins CMG, Baylor College of Medicine
Classification: Pathogenic for Autosomal recessive Robinow syndrome. Review status: no assertion criteria provided. Collection method: research. Allele origin: unknown. Affected: yes. Observed: 1 variant allele. Not counted in ClinVar's aggregate classification.

Literature cited by the submitters: PubMed 19640924 (cited by Department of Genetics, Sultan Qaboos University Hospital and OMIM).